The following is an entry in ClinVar:

ClinVar aggregate classification (germline): Uncertain significance (1 of 4 stars; one submission).

Allele frequency attached by ClinVar (database versions not stated): TOPMed below 0.00001.
gnomAD v4.1: 2 of 1,614,160 alleles (0.00012%); highest among the groups gnomAD compares: Admixed American, 0.0017%; no homozygotes.

Submission:

Labcorp Genetics (formerly Invitae), Labcorp
Classification: Uncertain significance. Last evaluated: 2025-02-17. Review status: criteria provided, single submitter. Criteria: Invitae Variant Classification Sherloc (09022015). Collection method: clinical testing. Allele origin: germline.
Comment: This sequence change replaces leucine, which is neutral and non-polar, with valine, which is neutral and non-polar, at codon 79 of the MTTP protein (p.Leu79Val). This variant is not present in population databases (gnomAD no frequency). This variant has not been reported in the literature in individuals affected with MTTP-related conditions. ClinVar contains an entry for this variant (Variation ID: 2187945). Invitae Evidence Modeling of protein sequence and biophysical properties (such as structural, functional, and spatial information, amino acid conservation, physicochemical variation, residue mobility, and thermodynamic stability) indicates that this missense variant is expected to disrupt MTTP protein function with a positive predictive value of 80%. Algorithms developed to predict the effect of sequence changes on RNA splicing suggest that this variant may disrupt the consensus splice site. In summary, the available evidence is currently insufficient to determine the role of this variant in disease. Therefore, it has been classified as a Variant of Uncertain Significance.

NM_001386140.1(MTTP):c.235T>G (p.Leu79Val)

Gene: MTTP (microsomal triglyceride transfer protein; plus strand). Cytogenetic location: 4q23.
Variant type: single nucleotide variant.
Coding change: c.235T>G on transcript NM_001386140.1 (MANE Select); coding-DNA position 235, T replaced by G.
Protein change: p.Leu79Val; replaces leucine 79 with valine.
Molecular consequence: missense variant. On other transcripts: 5 prime UTR variant (1).
Genome position (GRCh38, 1-based): chr4:99,582,078, T>G. VCF-style: chr4-99582078-T-G. GRCh37 (hg19) VCF-style: chr4-100503235-T-G.
Other names: c.235T>G, p.Leu79Val (NM_000253.4); c.-15T>G (NM_001300785.2); short protein forms L79V.
Identifiers: ClinVar variation 2187945 (VCV002187945.2), dbSNP rs1210122454, ClinGen allele CA357501210.
Genomic context (GRCh38, chr4:99,582,078, plus strand): 5'-ATTTCCTCCAACGTGGATGTGGCCTTACTATGGAGGAATCCTGATGGTGATGATGACCAG[T>G]TGATCCAAATAACGGTGGGCATTTTCTACCAGATAAATGCAAAGATTAGATATCAGAAGT-3'
Protein context (NP_001373069.1, residues 69-89): WRNPDGDDDQ[Leu79Val]IQITMKDVNV